The following is an entry in ClinVar:

NM_170665.4(ATP2A2):c.323A>C (p.Gln108Pro)

Gene: ATP2A2 (ATPase sarcoplasmic/endoplasmic reticulum Ca2+ transporting 2; plus strand). Cytogenetic location: 12q24.11.
Variant type: single nucleotide variant.
Coding change: c.323A>C on transcript NM_170665.4 (MANE Select); coding-DNA position 323, A replaced by C.
Protein change: p.Gln108Pro; replaces glutamine 108 with proline.
Molecular consequence: missense variant. On other transcripts: 5 prime UTR variant (1), intron variant (1).
Genome position (GRCh38, 1-based): chr12:110,292,123, A>C. VCF-style: chr12-110292123-A-C. GRCh37 (hg19) VCF-style: chr12-110729928-A-C.
Other names: c.323A>C, p.Gln108Pro (NM_001413014.1, NM_001681.4); c.-53A>C (NM_001413015.1); c.220-4476A>C (NM_001413013.1); short protein forms Q108P.
Identifiers: ClinVar variation 3369246 (VCV003369246.3).

ClinVar aggregate classification (germline): Uncertain significance. Review status: criteria provided, multiple submitters, no conflicts (2 of 4 stars). 2 submissions from 2 submitters: Uncertain significance (2). Last evaluated 2024-04-04.

Submissions (2):

Labcorp Genetics (formerly Invitae), Labcorp
Classification: Uncertain significance. Last evaluated: 2024-04-04. Review status: criteria provided, single submitter. Criteria: Invitae Variant Classification Sherloc (09022015). Collection method: clinical testing. Allele origin: germline.
Comment: This sequence change replaces glutamine, which is neutral and polar, with proline, which is neutral and non-polar, at codon 108 of the ATP2A2 protein (p.Gln108Pro). This variant is not present in population databases (gnomAD no frequency). This missense change has been observed in individual(s) with clinical features of Darier (Invitae). An algorithm developed to predict the effect of missense changes on protein structure and function (PolyPhen-2) suggests that this variant is likely to be disruptive. In summary, the available evidence is currently insufficient to determine the role of this variant in disease. Therefore, it has been classified as a Variant of Uncertain Significance.

GeneDx
Classification: Uncertain significance. Last evaluated: 2024-02-12. Review status: criteria provided, single submitter. Criteria: GeneDx Variant Classification Process June 2021. Collection method: clinical testing. Allele origin: germline. Affected: yes.
Comment: Not observed at significant frequency in large population cohorts (gnomAD); Missense variants in this gene are a common cause of disease and they are underrepresented in the general population; In silico analysis supports that this missense variant has a deleterious effect on protein structure/function; Has not been previously published as pathogenic or benign to our knowledge